The following is an entry in ClinVar:

NM_015488.5(PNKD):c.79G>A (p.Gly27Arg)

Gene: PNKD (PNKD metallo-beta-lactamase domain containing; plus strand). Cytogenetic location: 2q35.
Variant type: single nucleotide variant.
Coding change: c.79G>A on transcript NM_015488.5 (MANE Select); coding-DNA position 79, G replaced by A.
Protein change: p.Gly27Arg; replaces glycine 27 with arginine.
Molecular consequence: missense variant.
Genome position (GRCh38, 1-based): chr2:218,271,392, G>A. VCF-style: chr2-218271392-G-A. GRCh37 (hg19) VCF-style: chr2-219136115-G-A.
Other names: c.79G>A, p.Gly27Arg (NM_001077399.3); short protein forms G27R.
Identifiers: ClinVar variation 2182728 (VCV002182728.4), dbSNP rs1281998266, ClinGen allele CA350544509.
Genomic context (GRCh38, chr2:218,271,392, plus strand): 5'-TGCTTTCTTCTCATCTCTTCTTACTGACCTTCCTTACCTCCATCCACAGGGATTCTCGCA[G>A]GAGCCACAGCTAACAAGGCTTCTCATAACAGGACCCGGGCCCTGCAAAGCCACAGCTCCC-3'
Protein context (NP_056303.3, residues 17-37): NARVLRGILA[Gly27Arg]ATANKASHNR

ClinVar aggregate classification (germline): Uncertain significance (1 of 4 stars; one submission).

Conditions:
Paroxysmal nonkinesigenic dyskinesia. Also called: Paroxysmal non-kinesigenic dyskinesia. Identifiers: Orphanet 98810, MedGen C1869117, MONDO:0700088.

Allele frequency attached by ClinVar (database versions not stated): gnomAD exomes below 0.00001; TOPMed below 0.00001; gnomAD 0.00001.
gnomAD v4.1: 6 of 1,613,626 alleles (0.00037%); highest among the groups gnomAD compares: Non-Finnish European, 0.00051%; no homozygotes.

Submission:

Labcorp Genetics (formerly Invitae), Labcorp
Classification: Uncertain significance for Paroxysmal nonkinesigenic dyskinesia. Last evaluated: 2023-08-10. Review status: criteria provided, single submitter. Criteria: Invitae Variant Classification Sherloc (09022015). Collection method: clinical testing. Allele origin: germline.
Comment: In summary, the available evidence is currently insufficient to determine the role of this variant in disease. Therefore, it has been classified as a Variant of Uncertain Significance. An algorithm developed to predict the effect of missense changes on protein structure and function (PolyPhen-2) suggests that this variant is likely to be disruptive. ClinVar contains an entry for this variant (Variation ID: 2182728). This variant has not been reported in the literature in individuals affected with PNKD-related conditions. This variant is present in population databases (no rsID available, gnomAD 0.007%). This sequence change replaces glycine, which is neutral and non-polar, with arginine, which is basic and polar, at codon 27 of the PNKD protein (p.Gly27Arg).